The following is an entry in ClinVar:

NM_031885.5(BBS2):c.983T>C (p.Leu328Pro)

Gene: BBS2 (Bardet-Biedl syndrome 2; minus strand). Cytogenetic location: 16q13.
Variant type: single nucleotide variant.
Coding change: c.983T>C on transcript NM_031885.5 (MANE Select); coding-DNA position 983, T replaced by C.
Protein change: p.Leu328Pro; replaces leucine 328 with proline.
Molecular consequence: missense variant. On other transcripts: non-coding transcript variant (5).
Genome position (GRCh38, 1-based): chr16:56,502,414, A>G on the plus strand (T>C on the coding strand, the complement: BBS2 is on the minus strand). VCF-style: chr16-56502414-A-G. GRCh37 (hg19) VCF-style: chr16-56536326-A-G.
Other names: c.983T>C, p.Leu328Pro (NM_001377456.1); c.983T>C (NM_031885.3); short protein forms L328P.
Identifiers: ClinVar variation 2179164 (VCV002179164.2), dbSNP rs753806664, ClinGen allele CA8065852.
Genomic context (GRCh38, chr16:56,502,414, plus strand): 5'-AGATTCTGCTTCTTCTGACTCAGCTCTCGGATCAGGTCCTGCTCTGCACTGGTGTCCATG[A>G]GGTTGCCCCTCATCTCAGCCGTGCCAGGCAGGTAGCCCCGGACTGAACAGAAGGAAAAAA-3'
Protein context (NP_114091.4, residues 318-338): LPGTAEMRGN[Leu328Pro]MDTSAEQDLI

ClinVar aggregate classification (germline): Uncertain significance. Review status: criteria provided, multiple submitters, no conflicts (2 of 4 stars). 2 submissions from 2 submitters: Uncertain significance (2). Last evaluated 2025-09-08.

Conditions:
BBS2-related disorder. Also called: BBS2-related condition; BBS2-related disorders. Identifiers: MedGen CN239228.
Bardet-Biedl syndrome (BBS). Identifiers: Orphanet 110, MedGen C0752166, MONDO:0015229.

Allele frequency attached by ClinVar (database versions not stated): ExAC 0.00001; gnomAD 0.00002; TOPMed 0.00002.
gnomAD v4.1: 5 of 1,614,108 alleles (0.00031%); highest among the groups gnomAD compares: African/African-American, 0.0053%; no homozygotes.

Submissions (2):

PreventionGenetics, part of Exact Sciences
Classification: Uncertain significance for BBS2-related condition. Last evaluated: 2025-09-08. Review status: criteria provided, single submitter. Criteria: ACMG Guidelines, 2015. Collection method: clinical testing. Allele origin: germline.
Comment: The BBS2 c.983T>C variant is predicted to result in the amino acid substitution p.Leu328Pro. To our knowledge, this variant has not been reported in the literature. This variant is reported in 0.012% of alleles in individuals of African descent in gnomAD. At this time, the clinical significance of this variant is uncertain due to the absence of conclusive functional and genetic evidence.

Labcorp Genetics (formerly Invitae), Labcorp
Classification: Uncertain significance for Bardet-Biedl syndrome. Last evaluated: 2022-04-07. Review status: criteria provided, single submitter. Criteria: Invitae Variant Classification Sherloc (09022015). Collection method: clinical testing. Allele origin: germline.
Comment: This sequence change replaces leucine, which is neutral and non-polar, with proline, which is neutral and non-polar, at codon 328 of the BBS2 protein (p.Leu328Pro). This variant is present in population databases (rs753806664, gnomAD 0.01%). This variant has not been reported in the literature in individuals affected with BBS2-related conditions. Algorithms developed to predict the effect of missense changes on protein structure and function (SIFT, PolyPhen-2, Align-GVGD) all suggest that this variant is likely to be disruptive. In summary, the available evidence is currently insufficient to determine the role of this variant in disease. Therefore, it has been classified as a Variant of Uncertain Significance.